The following is an entry in ClinVar:

NM_018136.5(ASPM):c.2992C>T (p.Pro998Ser)

Gene: ASPM (assembly factor for spindle microtubules; minus strand). Cytogenetic location: 1q31.3.
Variant type: single nucleotide variant.
Coding change: c.2992C>T on transcript NM_018136.5 (MANE Select); coding-DNA position 2992, C replaced by T.
Protein change: p.Pro998Ser; replaces proline 998 with serine.
Molecular consequence: missense variant.
Genome position (GRCh38, 1-based): chr1:197,125,136, G>A on the plus strand (C>T on the coding strand, the complement: ASPM is on the minus strand). VCF-style: chr1-197125136-G-A. GRCh37 (hg19) VCF-style: chr1-197094266-G-A.
Other names: c.2992C>T, p.Pro998Ser (NM_001206846.2); short protein forms P998S.
Identifiers: ClinVar variation 2761227 (VCV002761227.3), dbSNP rs748593450, ClinGen allele CA1310281.

ClinVar aggregate classification (germline): Uncertain significance (1 of 4 stars; one submission).

Allele frequency attached by ClinVar (database versions not stated): gnomAD exomes below 0.00001; ExAC 0.00001.
gnomAD v4.1: 2 of 1,613,972 alleles (0.00012%); highest among the groups gnomAD compares: Non-Finnish European, 0.00017%; no homozygotes.

Submission:

Labcorp Genetics (formerly Invitae), Labcorp
Classification: Uncertain significance. Last evaluated: 2024-01-22. Review status: criteria provided, single submitter. Criteria: Invitae Variant Classification Sherloc (09022015). Collection method: clinical testing. Allele origin: germline.
Comment: This sequence change replaces proline, which is neutral and non-polar, with serine, which is neutral and polar, at codon 998 of the ASPM protein (p.Pro998Ser). This variant is present in population databases (rs748593450, gnomAD 0.002%). This variant has not been reported in the literature in individuals affected with ASPM-related conditions. Advanced modeling of protein sequence and biophysical properties (such as structural, functional, and spatial information, amino acid conservation, physicochemical variation, residue mobility, and thermodynamic stability) performed at Invitae indicates that this missense variant is not expected to disrupt ASPM protein function with a negative predictive value of 80%. In summary, the available evidence is currently insufficient to determine the role of this variant in disease. Therefore, it has been classified as a Variant of Uncertain Significance.